The following is an entry in ClinVar:

ClinVar aggregate classification (germline): Uncertain significance (1 of 4 stars; one submission).

Submission:

Dasa
Classification: Uncertain significance. Last evaluated: 2025-01-03. Review status: criteria provided, single submitter. Criteria: DASA Assertion Criteria. Collection method: clinical testing. Allele origin: germline.
Comment: NM_006612.6(KIF1C):c.2883dup (p.Leu962Alafs*46) is a frameshift variant in KIF1C predicted to alter the reading frame and introduce a premature termination codon and is predicted to result in an absent or altered protein product. This variant is rare in population databases. The currently available literature and clinical evidence are not sufficient to establish a definitive association between this variant and the reported condition. Therefore, this variant is classified as a variant of uncertain significance.

NM_006612.6(KIF1C):c.2883dup (p.Leu962fs)

Gene: KIF1C (kinesin family member 1C; plus strand). Cytogenetic location: 17p13.2.
Variant type: Duplication.
Coding change: c.2883dup on transcript NM_006612.6 (MANE Select); coding-DNA position 2883, one base duplicated (G; older notation c.2883dupG).
Protein change: p.Leu962fs; shifts the reading frame from leucine 962.
Molecular consequence: frameshift variant.
Genome position (GRCh38, 1-based): chr17:5,023,722, G duplicated; the last of 6 consecutive G bases (chr17:5,023,717-5,023,722); duplicating any one gives the same sequence. VCF-style (leftmost placement, unchanged base first): chr17-5023716-C-CG. GRCh37 (hg19) VCF-style: chr17-4927011-C-CG.
Other names: short protein forms L962fs.
Identifiers: ClinVar variation 4886289 (VCV004886289.2).
Genomic context (GRCh38, chr17:5,023,716, plus strand): 5'-TCGCTGGCTCAAGCAGGAGCAGCTACGGCTGCAGGGACTGCAGGGCTCTGGGGGCCGGGG[C>CG]GGGGGGCTGCGCAGGCCCCCAGCCCGCTTTGTGCCCCCTCACGACTGCAAGCTACGCTTC-3'